The following is an entry in ClinVar:

NM_001007792.1(NTRK1):c.12C>T (p.Ala4=)

Genes: INSRR (insulin receptor related receptor; minus strand), NTRK1 (neurotrophic receptor tyrosine kinase 1; plus strand). Cytogenetic location: 1q23.1.
Variant type: single nucleotide variant.
Coding change: c.12C>T on transcript NM_001007792.1; coding-DNA position 12, C replaced by T.
Protein change: p.Ala4=; no amino-acid change (alanine 4 retained).
Molecular consequence: synonymous variant. On other transcripts: intron variant (1).
Genome position (GRCh38, 1-based): chr1:156,842,083, C>T. VCF-style: chr1-156842083-C-T. GRCh37 (hg19) VCF-style: chr1-156811875-C-T.
Other names: c.3397+29G>A (NM_014215.3).
Identifiers: ClinVar variation 4978125 (VCV004978125.1).

ClinVar aggregate classification (germline): Likely benign (1 of 4 stars; one submission).

Conditions:
NTRK1-related disorder. Also called: NTRK1-related condition.

gnomAD v4.1: 70 of 1,613,088 alleles (0.0043%); highest among the groups gnomAD compares: East Asian, 0.02%; 1 homozygote.

Submission:

PreventionGenetics, part of Exact Sciences
Classification: Likely benign for NTRK1-related condition. Last evaluated: 2026-08-05. Review status: criteria provided, single submitter. Criteria: ACMG Guidelines, 2015. Collection method: clinical testing. Allele origin: germline.
Comment: This variant is classified as likely benign based on ACMG/AMP sequence variant interpretation guidelines (Richards et al. 2015 PMID: 25741868, with internal and published modifications).